The following is an entry in ClinVar:

NM_001394062.1(MACF1):c.22446_22457del (p.7480GSRA[2])

Gene: MACF1 (microtubule actin crosslinking factor 1; plus strand). Cytogenetic location: 1p34.3.
Variant type: Deletion.
Coding change: c.22446_22457del on transcript NM_001394062.1 (MANE Select); coding-DNA positions 22446 to 22457, 12 bases deleted (GGCTGGGAGTCG).
Protein change: p.7480GSRA[2].
Molecular consequence: inframe deletion.
Genome position (GRCh38, 1-based): chr1:39,485,572-39,485,583, GGCTGGGAGTCG deleted; deleting any 12 consecutive bases within chr1:39,485,562-39,485,583 gives the same sequence; the c. name uses the placement nearest the transcript's 3' end. VCF-style (leftmost placement, unchanged base first): chr1-39485561-CCTGGGAGTCGGG-C. GRCh37 (hg19) VCF-style: chr1-39951233-CCTGGGAGTCGGG-C.
Other names: c.10326_10337del, p.3440GSRA[2] (NM_001397473.1); c.16071_16082del, p.5355GSRA[2] (NM_012090.5).
Identifiers: ClinVar variation 1927578 (VCV001927578.29), dbSNP rs781095837, ClinGen allele CA522801697.

ClinVar aggregate classification (germline): Conflicting classifications of pathogenicity. Review status: criteria provided, conflicting classifications (1 of 4 stars). 2 submissions from 2 submitters: Uncertain significance (1); Benign (1). Last evaluated 2022-07-08.

Submissions (2):

Labcorp Genetics (formerly Invitae), Labcorp
Classification: Benign. Last evaluated: 2022-07-08. Review status: criteria provided, single submitter. Criteria: Invitae Variant Classification Sherloc (09022015). Collection method: clinical testing. Allele origin: germline.

CeGaT Center for Human Genetics Tuebingen
Classification: Uncertain significance. Last evaluated: 2022-05-01. Review status: criteria provided, single submitter. Criteria: CeGaT Center For Human Genetics Tuebingen Variant Classification Criteria Version 2. Collection method: clinical testing. Allele origin: germline. Affected: yes. Observed: 1 variant allele.
Comment: MACF1: PM4